The following is an entry in ClinVar:

ClinVar aggregate classification (germline): Uncertain significance (1 of 4 stars; one submission).

Conditions:
Duchenne muscular dystrophy (DMD). Also called: MUSCULAR DYSTROPHY, PSEUDOHYPERTROPHIC PROGRESSIVE, DUCHENNE TYPE; Duchenne Muscular Dystrophy (DMD). Identifiers: Orphanet 98896, MedGen C0013264, MONDO:0010679, OMIM 310200.

Submission:

Labcorp Genetics (formerly Invitae), Labcorp
Classification: Uncertain significance for Duchenne muscular dystrophy. Last evaluated: 2025-03-14. Review status: criteria provided, single submitter. Criteria: Invitae Variant Classification Sherloc (09022015). Collection method: clinical testing. Allele origin: germline.
Comment: This variant, c.5506_5508del, results in the deletion of 1 amino acid(s) of the DMD protein (p.Gln1836del), but otherwise preserves the integrity of the reading frame. This variant is not present in population databases (gnomAD no frequency). This variant has not been reported in the literature in individuals affected with DMD-related conditions. Experimental studies and prediction algorithms are not available or were not evaluated, and the functional significance of this variant is currently unknown. In summary, the available evidence is currently insufficient to determine the role of this variant in disease. Therefore, it has been classified as a Variant of Uncertain Significance.

NM_004006.3(DMD):c.5503CAA[1] (p.Gln1836del)

Gene: DMD (dystrophin; minus strand). Cytogenetic location: Xp21.1.
Variant type: Microsatellite.
Coding change: c.5503CAA[1] on transcript NM_004006.3 (MANE Select); one copy of the 3-base unit CAA starting at c.5503; the reference has two copies in a row; one copy, 3 bases deleted.
Protein change: p.Gln1836del; deletes glutamine 1836.
Molecular consequence: inframe deletion.
Genome position (GRCh38, 1-based): chrX:32,346,021-32,346,023, TTG deleted on the plus strand (CAA on the coding strand, the reverse complement: DMD is on the minus strand); deleting any 3 consecutive bases within chrX:32,346,021-32,346,027 gives the same sequence; the position shown is the placement nearest the transcript's 3' end. VCF-style (leftmost placement, unchanged base first): chrX-32346020-TTTG-T. GRCh37 (hg19) VCF-style: chrX-32364137-TTTG-T.
Other names: c.5479CAA[1], p.Gln1828del (NM_000109.4); c.5491CAA[1], p.Gln1832del (NM_004009.3); c.5134CAA[1], p.Gln1713del (NM_004010.3); c.1480CAA[1], p.Gln495del (NM_004011.4); c.1471CAA[1], p.Gln492del (NM_004012.4); short protein forms Q1713del, Q492del, Q495del, Q1828del, Q1836del, Q1832del.
Identifiers: ClinVar variation 4715112 (VCV004715112.1).